The following is an entry in ClinVar:

ClinVar aggregate classification (germline): Pathogenic (1 of 4 stars; one submission).

Submission:

GeneDx
Classification: Pathogenic. Last evaluated: 2016-05-11. Review status: criteria provided, single submitter. Criteria: GeneDx Variant Classification (06012015). Collection method: clinical testing. Allele origin: germline. Affected: yes.
Comment: Although the c.2737delT pathogenic variant in the MYBPC3 gene has not been reported to our knowledge, this pathogenic variant causes a shift in reading frame starting at codon Cysteine 913, changing it to an Alanine, and creating a premature stop codon at position 11 of the new reading frame, denoted p.C913AfsX11. This pathogenic variant is expected to result in either an abnormal, truncated protein product or loss of protein from this allele through nonsense-mediated mRNA decay. Other frameshift pathogenic variants in the MYBPC3 gene have been reported in association with HCM. In summary, c.2737delT in the MYBPC3 gene is interpreted as a disease-causing pathogenic variant.

NM_000256.3(MYBPC3):c.2737del (p.Cys913fs)

Gene: MYBPC3 (myosin binding protein C3; minus strand). Cytogenetic location: 11p11.2.
Variant type: Deletion.
Coding change: c.2737del on transcript NM_000256.3 (MANE Select); coding-DNA position 2737, one base deleted (T; older notation c.2737delT).
Protein change: p.Cys913fs; shifts the reading frame from cysteine 913.
Molecular consequence: frameshift variant.
Genome position (GRCh38, 1-based): chr11:47,335,877, A deleted on the plus strand (T on the coding strand, the reverse complement: MYBPC3 is on the minus strand). VCF-style (leftmost placement, unchanged base first): chr11-47335876-CA-C. GRCh37 (hg19) VCF-style: chr11-47357427-CA-C.
Other names: c.2737del, p.Cys913fs (LRG_386t1); c.2737delT (NM_000256.3); short protein forms C913fs.
Identifiers: ClinVar variation 181085 (VCV000181085.2), dbSNP rs730880658, ClinGen allele CA012912.
Genomic context (GRCh38, chr11:47,335,876, plus strand): 5'-TCAATGGCAAGGTGAGCATGTTCTTCCTTTGGGGAGGGGGGTTGGGGGCGGGGACACTCA[CA>C]GCCCTCTGGGCAGTACTCCACGCTGTAGCCATCCAGGCCTCCTGCTCCCACGCGCTCTGG-3'